The following is an entry in ClinVar:

ClinVar aggregate classification (germline): Pathogenic (1 of 4 stars; one submission).

Conditions:
ALG1-congenital disorder of glycosylation. Also called: ALG1-CDG; CONGENITAL DISORDER OF GLYCOSYLATION, TYPE Ik; CDG Ik. Identifiers: Orphanet 79327, MedGen C2931005, MONDO:0012052, OMIM 608540.

Submission:

Labcorp Genetics (formerly Invitae), Labcorp
Classification: Pathogenic for ALG1-congenital disorder of glycosylation. Last evaluated: 2022-03-23. Review status: criteria provided, single submitter. Criteria: Invitae Variant Classification Sherloc (09022015). Collection method: clinical testing. Allele origin: germline.
Comment: For these reasons, this variant has been classified as Pathogenic. Algorithms developed to predict the effect of sequence changes on RNA splicing suggest that this variant may disrupt the consensus splice site. This variant has not been reported in the literature in individuals affected with ALG1-related conditions. This variant is not present in population databases (gnomAD no frequency). This sequence change creates a premature translational stop signal (p.Ile163Hisfs*44) in the ALG1 gene. It is expected to result in an absent or disrupted protein product. Loss-of-function variants in ALG1 are known to be pathogenic (PMID: 20679665, 23806237).

Literature cited by the submitters: PubMed 20679665; PubMed 23806237.

NM_019109.5(ALG1):c.486dup (p.Ile163fs)

Gene: ALG1 (ALG1 chitobiosyldiphosphodolichol beta-mannosyltransferase; plus strand). Cytogenetic location: 16p13.3.
Variant type: Duplication.
Coding change: c.486dup on transcript NM_019109.5 (MANE Select); coding-DNA position 486, one base duplicated (C; older notation c.486dupC).
Protein change: p.Ile163fs; shifts the reading frame from isoleucine 163.
Molecular consequence: frameshift variant.
Genome position (GRCh38, 1-based): chr16:5,075,483, C duplicated; the last of 2 consecutive C bases (chr16:5,075,482-5,075,483); duplicating either gives the same sequence. VCF-style (leftmost placement, unchanged base first): chr16-5075481-T-TC. GRCh37 (hg19) VCF-style: chr16-5125482-T-TC.
Other names: c.153dup, p.Ile52fs (NM_001330504.2); short protein forms I163fs, I52fs.
Identifiers: ClinVar variation 2115837 (VCV002115837.5), dbSNP rs2505853870, ClinGen allele CA2580091179.